The following is an entry in ClinVar:

ClinVar aggregate classification (germline): Uncertain significance. Review status: criteria provided, multiple submitters, no conflicts (2 of 4 stars). 3 submissions from 3 submitters: Uncertain significance (3). Last evaluated 2025-05-27.

Conditions:
Joubert syndrome 17 (JBTS17). Identifiers: Orphanet 475, MedGen C3553264, MONDO:0013824, OMIM 614615.
Orofaciodigital syndrome type 6 (OFD6). Also called: OROFACIODIGITAL SYNDROME VI; OFDS VI; POLYDACTYLY, CLEFT LIP/PALATE OR LINGUAL LUMP, AND PSYCHOMOTOR RETARDATION; VARADI SYNDROME; VARADI-PAPP SYNDROME; Oral-facial-digital syndrome type 6. Identifiers: Orphanet 2754, MedGen C2745997, MONDO:0010176, OMIM 277170.

Allele frequency attached by ClinVar (database versions not stated): gnomAD exomes 0.00001 and 0.00002; TOPMed 0.00002; gnomAD 0.00003 and 0.00004.
gnomAD v4.1: 41 of 1,613,024 alleles (0.0025%); highest among the groups gnomAD compares: Non-Finnish European, 0.0028%; no homozygotes.

Submissions (3):

Labcorp Genetics (formerly Invitae), Labcorp
Classification: Uncertain significance. Last evaluated: 2025-05-27. Review status: criteria provided, single submitter. Criteria: Invitae Variant Classification Sherloc (09022015). Collection method: clinical testing. Allele origin: germline.
Comment: This sequence change replaces serine, which is neutral and polar, with cysteine, which is neutral and slightly polar, at codon 2862 of the CPLANE1 protein (p.Ser2862Cys). This variant is present in population databases (no rsID available, gnomAD 0.004%). This variant has not been reported in the literature in individuals affected with CPLANE1-related conditions. ClinVar contains an entry for this variant (Variation ID: 1509809). Invitae Evidence Modeling of protein sequence and biophysical properties (such as structural, functional, and spatial information, amino acid conservation, physicochemical variation, residue mobility, and thermodynamic stability) indicates that this missense variant is not expected to disrupt CPLANE1 protein function with a negative predictive value of 95%. In summary, the available evidence is currently insufficient to determine the role of this variant in disease. Therefore, it has been classified as a Variant of Uncertain Significance.

Blueprint Genetics
Classification: Uncertain significance. Last evaluated: 2022-11-07. Review status: criteria provided, single submitter. Criteria: ACMG Guidelines, 2015. Collection method: clinical testing. Allele origin: germline.

Fulgent Genetics
Classification: Uncertain significance for Orofaciodigital syndrome type 6; Joubert syndrome 17. Last evaluated: 2022-02-01. Review status: criteria provided, single submitter. Criteria: ACMG Guidelines, 2015. Collection method: clinical testing. Allele origin: unknown.

NM_001384732.1(CPLANE1):c.8747C>G (p.Ser2916Cys)

Gene: CPLANE1 (ciliogenesis and planar polarity effector complex subunit 1; minus strand). Cytogenetic location: 5p13.2.
Variant type: single nucleotide variant.
Coding change: c.8747C>G on transcript NM_001384732.1 (MANE Select); coding-DNA position 8747, C replaced by G.
Protein change: p.Ser2916Cys; replaces serine 2916 with cysteine.
Molecular consequence: missense variant.
Genome position (GRCh38, 1-based): chr5:37,138,765, G>C on the plus strand (C>G on the coding strand, the complement: CPLANE1 is on the minus strand). VCF-style: chr5-37138765-G-C. GRCh37 (hg19) VCF-style: chr5-37138867-G-C.
Other names: c.8585C>G, p.Ser2862Cys (NM_023073.4); short protein forms S2862C, S2916C.
Identifiers: ClinVar variation 1509809 (VCV001509809.10), dbSNP rs1454812528, ClinGen allele CA359505254.